The following is an entry in ClinVar:

ClinVar aggregate classification (germline): Uncertain significance. Review status: criteria provided, multiple submitters, no conflicts (2 of 4 stars). 2 submissions from 2 submitters: Uncertain significance (2). Last evaluated 2024-06-25.

Conditions:
Hereditary cancer-predisposing syndrome. Also called: Neoplastic Syndromes, Hereditary; Hereditary Cancer Syndrome; Tumor predisposition; Hereditary neoplastic syndrome. Identifiers: Orphanet 140162, MedGen C0027672, MeSH D009386, MONDO:0015356.
Multiple endocrine neoplasia, type 2 (MEN2). Identifiers: Orphanet 653, MedGen C4048306, MONDO:0019003. Disease mechanism: gain of function.

Submissions (2):

Labcorp Genetics (formerly Invitae), Labcorp
Classification: Uncertain significance for Multiple endocrine neoplasia, type 2. Last evaluated: 2024-06-25. Review status: criteria provided, single submitter. Criteria: Invitae Variant Classification Sherloc (09022015). Collection method: clinical testing. Allele origin: germline.
Comment: This sequence change replaces arginine, which is basic and polar, with glycine, which is neutral and non-polar, at codon 77 of the RET protein (p.Arg77Gly). This variant is not present in population databases (gnomAD no frequency). This variant has not been reported in the literature in individuals affected with RET-related conditions. ClinVar contains an entry for this variant (Variation ID: 2447530). An algorithm developed to predict the effect of missense changes on protein structure and function (PolyPhen-2) suggests that this variant is likely to be tolerated. This variant disrupts the p.Arg77 amino acid residue in RET. Other variant(s) that disrupt this residue have been determined to be pathogenic (PMID: 10618407, 10982477, 29261189). This suggests that this residue is clinically significant, and that variants that disrupt this residue are likely to be disease-causing. In summary, the available evidence is currently insufficient to determine the role of this variant in disease. Therefore, it has been classified as a Variant of Uncertain Significance.

Ambry Genetics
Classification: Uncertain significance for Hereditary cancer-predisposing syndrome. Last evaluated: 2022-12-20. Review status: criteria provided, single submitter. Criteria: Ambry Variant Classification Scheme 2023. Collection method: clinical testing. Allele origin: germline.
Comment: The p.R77G variant (also known as c.229C>G), located in coding exon 2 of the RET gene, results from a C to G substitution at nucleotide position 229. The arginine at codon 77 is replaced by glycine, an amino acid with dissimilar properties. This amino acid position is well conserved in available vertebrate species. In addition, this alteration is predicted to be tolerated by in silico analysis. Since supporting evidence is limited at this time, the clinical significance of this alteration remains unclear.

Literature cited by the submitters: PubMed 10618407 (cited by Labcorp Genetics (formerly Invitae), Labcorp); PubMed 10982477 (cited by Labcorp Genetics (formerly Invitae), Labcorp); PubMed 29261189 (cited by Labcorp Genetics (formerly Invitae), Labcorp).

NM_020975.6(RET):c.229C>G (p.Arg77Gly)

Gene: RET (ret proto-oncogene; plus strand). Cytogenetic location: 10q11.21.
Variant type: single nucleotide variant.
Coding change: c.229C>G on transcript NM_020975.6 (MANE Select); coding-DNA position 229, C replaced by G.
Protein change: p.Arg77Gly; replaces arginine 77 with glycine.
Molecular consequence: missense variant. On other transcripts: intron variant (4).
Genome position (GRCh38, 1-based): chr10:43,100,614, C>G. VCF-style: chr10-43100614-C-G. GRCh37 (hg19) VCF-style: chr10-43596062-C-G.
Other names: c.229C>G, p.Arg77Gly (NM_000323.2, NM_001406743.1, NM_001406744.1 and 34 more transcripts); c.74-8417C>G (NM_001406784.1); c.74-11485C>G (NM_001406794.1, NM_001406792.1, NM_001406793.1); short protein forms R77G.
Identifiers: ClinVar variation 2447530 (VCV002447530.4), dbSNP rs1588862595, ClinGen allele CA376770361.
Genomic context (GRCh38, chr10:43,100,614, plus strand): 5'-CGGGACGCCCCTGAGGAGGTGCCCAGCTTCCGCCTGGGCCAGCATCTCTACGGCACGTAC[C>G]GCACACGGCTGCATGAGAACAACTGGATCTGCATCCAGGAGGACACCGGCCTCCTCTACC-3'
Protein context (NP_066124.1, residues 67-87): RLGQHLYGTY[Arg77Gly]TRLHENNWIC